The following is an entry in ClinVar:

NM_004991.4(MECOM):c.1916G>A (p.Ser639Asn)

Gene: MECOM (MDS1 and EVI1 complex locus; minus strand). Cytogenetic location: 3q26.2.
Variant type: single nucleotide variant.
Coding change: c.1916G>A on transcript NM_004991.4 (MANE Select); coding-DNA position 1916, G replaced by A.
Protein change: p.Ser639Asn; replaces serine 639 with asparagine.
Molecular consequence: missense variant. On other transcripts: intron variant (2).
Genome position (GRCh38, 1-based): chr3:169,115,956, C>T on the plus strand (G>A on the coding strand, the complement: MECOM is on the minus strand). VCF-style: chr3-169115956-C-T. GRCh37 (hg19) VCF-style: chr3-168833744-C-T.
Other names: c.1547G>A, p.Ser516Asn (NM_001105077.4); c.1352G>A, p.Ser451Asn (NM_001105078.4, NM_001164000.2, NM_001205194.2 and 4 more transcripts); c.1355G>A, p.Ser452Asn (NM_001163999.2, NM_001366467.2, NM_001366468.2 and 1 more transcripts); c.1916G>A, p.Ser639Asn (NM_001366466.2); c.1133-189G>A (NM_001366473.2); c.569-189G>A (NM_001366474.2); c.1916G>A (NM_004991.3); short protein forms S451N, S452N, S516N, S639N.
Identifiers: ClinVar variation 2910753 (VCV002910753.4), dbSNP rs2549407712, ClinGen allele CA355087075.

ClinVar aggregate classification (germline): Uncertain significance. Review status: criteria provided, multiple submitters, no conflicts (2 of 4 stars). 2 submissions from 2 submitters: Uncertain significance (2). Last evaluated 2024-12-15.

Conditions:
Inborn genetic diseases. Identifiers: MedGen C0950123, MeSH D030342.

Submissions (2):

Ambry Genetics
Classification: Uncertain significance for Inborn genetic diseases. Last evaluated: 2024-12-15. Review status: criteria provided, single submitter. Criteria: Ambry Variant Classification Scheme 2023. Collection method: clinical testing. Allele origin: germline.
Comment: The p.S639N variant (also known as c.1916G>A), located in coding exon 8 of the MECOM gene, results from a G to A substitution at nucleotide position 1916. The serine at codon 639 is replaced by asparagine, an amino acid with highly similar properties. This amino acid position is conserved. In addition, this alteration is predicted to be tolerated by in silico analysis. Based on the available evidence, the clinical significance of this variant remains unclear.

Labcorp Genetics (formerly Invitae), Labcorp
Classification: Uncertain significance. Last evaluated: 2024-02-06. Review status: criteria provided, single submitter. Criteria: Invitae Variant Classification Sherloc (09022015). Collection method: clinical testing. Allele origin: germline.
Comment: This sequence change replaces serine, which is neutral and polar, with asparagine, which is neutral and polar, at codon 451 of the MECOM protein (p.Ser451Asn). This variant is not present in population databases (gnomAD no frequency). This variant has not been reported in the literature in individuals affected with MECOM-related conditions. Algorithms developed to predict the effect of missense changes on protein structure and function output the following: SIFT: "Not Available"; PolyPhen-2: "Benign"; Align-GVGD: "Not Available". The asparagine amino acid residue is found in multiple mammalian species, which suggests that this missense change does not adversely affect protein function. In summary, the available evidence is currently insufficient to determine the role of this variant in disease. Therefore, it has been classified as a Variant of Uncertain Significance.